The following is an entry in ClinVar:

NM_001372044.2(SHANK3):c.3736G>C (p.Val1246Leu)

Gene: SHANK3 (SH3 and multiple ankyrin repeat domains 3; plus strand). Cytogenetic location: 22q13.33.
Variant type: single nucleotide variant.
Coding change: c.3736G>C on transcript NM_001372044.2 (MANE Select); coding-DNA position 3736, G replaced by C.
Protein change: p.Val1246Leu; replaces valine 1246 with leucine.
Molecular consequence: missense variant.
Genome position (GRCh38, 1-based): chr22:50,721,344, G>C. VCF-style: chr22-50721344-G-C. GRCh37 (hg19) VCF-style: chr22-51159772-G-C.
Other names: c.3511G>C, p.Val1171Leu (NM_033517.1); short protein forms V1171L, V1246L.
Identifiers: ClinVar variation 3030067 (VCV003030067.2), dbSNP rs752538308, ClinGen allele CA10326051.
Genomic context (GRCh38, chr22:50,721,344, plus strand): 5'-CCAGAGCGAGGGTCCCTGGCTTCCCCGGCTTTCTCCCCACGGAGCCCAGCCTGGATTCCT[G>C]TGCCTGCTCGCAGGGAGGCAGAGAAGGTCCCCCGGGAGGAGCGGAAGTCACCCGAGGACA-3'
Protein context (NP_001358973.1, residues 1236-1256): FSPRSPAWIP[Val1246Leu]PARREAEKVP

ClinVar aggregate classification (germline): Uncertain significance (0 of 4 stars; one submission).

Conditions:
SHANK3-related disorder. Also called: SHANK3-related condition.

Allele frequency attached by ClinVar (database versions not stated): ExAC 0.00001; gnomAD exomes 0.00002; TOPMed 0.00002; gnomAD 0.00003.

Submission:

PreventionGenetics, part of Exact Sciences
Classification: Uncertain significance for SHANK3-related condition. Last evaluated: 2024-01-10. Review status: no assertion criteria provided. Collection method: clinical testing. Allele origin: germline.
Comment: The SHANK3 c.3511G>C variant is predicted to result in the amino acid substitution p.Val1171Leu. To our knowledge, this variant has not been reported in the literature. This variant is reported in 0.0018% of alleles in individuals of European (Non-Finnish) descent in gnomAD. At this time, the clinical significance of this variant is uncertain due to the absence of conclusive functional and genetic evidence.